The following is an entry in ClinVar:

NM_001042492.3(NF1):c.900_908del (p.Asp301_Leu303del)

Gene: NF1 (neurofibromin 1; plus strand). Cytogenetic location: 17q11.2.
Variant type: Deletion.
Coding change: c.900_908del on transcript NM_001042492.3 (MANE Select); coding-DNA positions 900 to 908, 9 bases deleted (GGACAGTCT; older notation c.900_908delGGACAGTCT).
Protein change: p.Asp301_Leu303del.
Molecular consequence: inframe deletion. On other transcripts: inframe indel (1).
Genome position (GRCh38, 1-based): chr17:31,200,433-31,200,441, GGACAGTCT deleted; deleting any 9 consecutive bases within chr17:31,200,430-31,200,441 gives the same sequence; the c. name uses the placement nearest the transcript's 3' end. VCF-style (leftmost placement, unchanged base first): chr17-31200429-TTCTGGACAG-T. GRCh37 (hg19) VCF-style: chr17-29527447-TTCTGGACAG-T.
Other names: c.900_908delGGACAGTCT, p.Asp301_Leu303del (NM_000267.4); c.900_908del, p.Asp301_Leu303del (NM_001128147.3).
Identifiers: ClinVar variation 2097875 (VCV002097875.4), dbSNP rs2544793266, ClinGen allele CA2580092780.
Genomic context (GRCh38, chr17:31,200,429, plus strand): 5'-TGGAATAGAAGAAACTTCATATATTATCTTATCGCTATATTTGAATTCTGTAGAAGTTAT[TTCTGGACAG>T]TCTACGAAAAGCTCTTGCTGGCCATGGAGGAAGTAGGCAGCTGACAGAAAGTGCTGCAAT-3'

ClinVar aggregate classification (germline): Pathogenic (1 of 4 stars; one submission).

Conditions:
Neurofibromatosis, type 1 (NF1). Also called: NEUROFIBROMATOSIS, TYPE I, SOMATIC; Neurofibromatosis, type I; Peripheral type neurofibromatosis; VON RECKLINGHAUSEN DISEASE. Identifiers: Orphanet 636, MedGen C0027831, MONDO:0018975, OMIM 162200. Disease mechanism: loss of function.

Submission:

Labcorp Genetics (formerly Invitae), Labcorp
Classification: Pathogenic for Neurofibromatosis, type 1. Last evaluated: 2023-07-14. Review status: criteria provided, single submitter. Criteria: Invitae Variant Classification Sherloc (09022015). Collection method: clinical testing. Allele origin: germline.
Comment: For these reasons, this variant has been classified as Pathogenic. This variant disrupts a region of the NF1 protein in which other variant(s) (p.Leu303Arg) have been determined to be pathogenic (PMID: 16787982, 27716896). This suggests that this is a clinically significant region of the protein, and that variants that disrupt it are likely to be disease-causing. Algorithms developed to predict the effect of sequence changes on RNA splicing suggest that this variant may disrupt the consensus splice site. Experimental studies and prediction algorithms are not available or were not evaluated, and the functional significance of this variant is currently unknown. ClinVar contains an entry for this variant (Variation ID: 2097875). This variant has not been reported in the literature in individuals affected with NF1-related conditions. This variant is not present in population databases (gnomAD no frequency). This variant, c.900_908del, results in the deletion of 3 amino acid(s) of the NF1 protein (p.Asp301_Leu303del), but otherwise preserves the integrity of the reading frame.

Literature cited by the submitters: PubMed 16787982; PubMed 27716896.